The following is an entry in ClinVar:

ClinVar aggregate classification (germline): Uncertain significance (1 of 4 stars; one submission).

Submission:

Labcorp Genetics (formerly Invitae), Labcorp
Classification: Uncertain significance. Last evaluated: 2023-09-30. Review status: criteria provided, single submitter. Criteria: Invitae Variant Classification Sherloc (09022015). Collection method: clinical testing. Allele origin: germline.
Comment: This sequence change replaces glycine, which is neutral and non-polar, with alanine, which is neutral and non-polar, at codon 458 of the PAK3 protein (p.Gly458Ala). This variant is not present in population databases (gnomAD no frequency). This variant has not been reported in the literature in individuals affected with PAK3-related conditions. An algorithm developed to predict the effect of missense changes on protein structure and function (PolyPhen-2) suggests that this variant is likely to be disruptive. In summary, the available evidence is currently insufficient to determine the role of this variant in disease. Therefore, it has been classified as a Variant of Uncertain Significance.

NM_002578.5(PAK3):c.1373G>C (p.Gly458Ala)

Gene: PAK3 (p21 (RAC1) activated kinase 3; plus strand). Cytogenetic location: Xq23.
Variant type: single nucleotide variant.
Coding change: c.1373G>C on transcript NM_002578.5 (MANE Select); coding-DNA position 1373, G replaced by C.
Protein change: p.Gly458Ala; replaces glycine 458 with alanine.
Molecular consequence: missense variant. On other transcripts: non-coding transcript variant (2).
Genome position (GRCh38, 1-based): chrX:111,196,606, G>C. VCF-style: chrX-111196606-G-C. GRCh37 (hg19) VCF-style: chrX-110439834-G-C.
Other names: c.1373G>C, p.Gly458Ala (NM_001128166.3, NM_001128167.3, NM_001324325.2 and 5 more transcripts); c.1481G>C, p.Gly494Ala (NM_001128168.3); c.1436G>C, p.Gly479Ala (NM_001128172.2); c.1418G>C, p.Gly473Ala (NM_001128173.3, NM_001324327.2, NM_001324328.2 and 2 more transcripts); short protein forms G458A, G473A, G494A, G479A.
Identifiers: ClinVar variation 2762443 (VCV002762443.3), dbSNP rs2524224939, ClinGen allele CA414239926.